The following is an entry in ClinVar:

NM_000214.3(JAG1):c.1409G>C (p.Gly470Ala)

Gene: JAG1 (jagged canonical Notch ligand 1; minus strand). Cytogenetic location: 20p12.2.
Variant type: single nucleotide variant.
Coding change: c.1409G>C on transcript NM_000214.3 (MANE Select); coding-DNA position 1409, G replaced by C.
Protein change: p.Gly470Ala; replaces glycine 470 with alanine.
Molecular consequence: missense variant.
Genome position (GRCh38, 1-based): chr20:10,648,709, C>G on the plus strand (G>C on the coding strand, the complement: JAG1 is on the minus strand). VCF-style: chr20-10648709-C-G. GRCh37 (hg19) VCF-style: chr20-10629357-C-G.
Other names: short protein forms G470A.
Identifiers: ClinVar variation 5001367 (VCV005001367.1).

ClinVar aggregate classification (germline): Uncertain significance (1 of 4 stars; one submission).

Conditions:
JAG1-related disorder. Also called: JAG1-related condition; JAG1-related disorders.

Submission:

PreventionGenetics, part of Exact Sciences
Classification: Uncertain significance for JAG1-related condition. Last evaluated: 2024-12-31. Review status: criteria provided, single submitter. Criteria: ACMG Guidelines, 2015. Collection method: clinical testing. Allele origin: germline.
Comment: The JAG1 c.1409G>C variant is predicted to result in the amino acid substitution p.Gly470Ala. To our knowledge, this variant has not been reported in the literature or in a large population database (gnomAD), indicating this variant is rare. At this time, the clinical significance of this variant is uncertain due to the absence of conclusive functional and genetic evidence.